The following is an entry in ClinVar:

ClinVar aggregate classification (germline): Likely pathogenic (1 of 4 stars; one submission).

Submission:

GeneDx
Classification: Likely pathogenic. Last evaluated: 2025-04-26. Review status: criteria provided, single submitter. Criteria: GeneDx Variant Classification Process June 2021. Collection method: clinical testing. Allele origin: germline. Affected: yes.
Comment: Canonical splice site variant predicted to result in a null allele in a gene for which loss of function is a known mechanism of disease; Not observed at significant frequency in large population cohorts (gnomAD); Has not been previously published as pathogenic or benign to our knowledge

NM_144658.4(DOCK11):c.392+1G>A

Gene: DOCK11 (dedicator of cytokinesis 11; plus strand). Cytogenetic location: Xq24.
Variant type: single nucleotide variant.
Coding change: c.392+1G>A on transcript NM_144658.4 (MANE Select); the canonical splice donor site of the intron after coding-DNA position 392, G replaced by A.
Molecular consequence: splice donor variant.
Genome position (GRCh38, 1-based): chrX:118,543,594, G>A. VCF-style: chrX-118543594-G-A. GRCh37 (hg19) VCF-style: chrX-117677557-G-A.
Identifiers: ClinVar variation 4527662 (VCV004527662.1).
Genomic context (GRCh38, chrX:118,543,594, plus strand): 5'-TTGGCACGTGGTAAACTACAAGTATGAGGACTTCTCTGGGGACTTTCGAATGTTGCCATG[G>A]TAAGTTTAGCATTCCAGGGAAACATGCAACAGGAGAATTATTAAGCTTTTTTACCTTGTT-3'